The following is an entry in ClinVar:

NM_002948.5(RPL15):c.35G>A (p.Arg12Lys)

Genes: NKIRAS1 (NFKB inhibitor interacting Ras like 1; minus strand), RPL15 (ribosomal protein L15; plus strand). Cytogenetic location: 3p24.2.
Variant type: single nucleotide variant.
Coding change: c.35G>A on transcript NM_002948.5 (MANE Select); coding-DNA position 35, G replaced by A.
Protein change: p.Arg12Lys; replaces arginine 12 with lysine.
Molecular consequence: missense variant. On other transcripts: intron variant (1).
Genome position (GRCh38, 1-based): chr3:23,917,894, G>A. VCF-style: chr3-23917894-G-A. GRCh37 (hg19) VCF-style: chr3-23959385-G-A.
Other names: c.35G>A, p.Arg12Lys (NM_001253379.2, NM_001253380.2, NM_001253382.2 and 2 more transcripts); c.-139-6444C>T (NM_001377380.1); short protein forms R12K.
Identifiers: ClinVar variation 3697283 (VCV003697283.2).

ClinVar aggregate classification (germline): Uncertain significance (1 of 4 stars; one submission).

gnomAD v4.1: 4 of 1,612,168 alleles (0.00025%); highest among the groups gnomAD compares: Non-Finnish European, 0.00034%; no homozygotes.

Submission:

Labcorp Genetics (formerly Invitae), Labcorp
Classification: Uncertain significance. Last evaluated: 2024-02-20. Review status: criteria provided, single submitter. Criteria: Invitae Variant Classification Sherloc (09022015). Collection method: clinical testing. Allele origin: germline.
Comment: This sequence change replaces arginine, which is basic and polar, with lysine, which is basic and polar, at codon 12 of the RPL15 protein (p.Arg12Lys). This variant is not present in population databases (gnomAD no frequency). This variant has not been reported in the literature in individuals affected with RPL15-related conditions. An algorithm developed to predict the effect of missense changes on protein structure and function (PolyPhen-2) suggests that this variant is likely to be tolerated. In summary, the available evidence is currently insufficient to determine the role of this variant in disease. Therefore, it has been classified as a Variant of Uncertain Significance.